The following is an entry in ClinVar:

NM_020800.3(IFT80):c.37+6C>A

Genes: TRIM59-IFT80 (TRIM59-IFT80 readthrough (NMD candidate); minus strand), IFT80 (intraflagellar transport 80; minus strand). Cytogenetic location: 3q25.33.
Variant type: single nucleotide variant.
Coding change: c.37+6C>A on transcript NM_020800.3 (MANE Select); 6 bases into the intron after coding-DNA position 37, C replaced by A.
Molecular consequence: intron variant. On other transcripts: non-coding transcript variant (2), 5 prime UTR variant (1).
Genome position (GRCh38, 1-based): chr3:160,384,558, G>T on the plus strand (C>A on the coding strand, the complement: IFT80 is on the minus strand). VCF-style: chr3-160384558-G-T. GRCh37 (hg19) VCF-style: chr3-160102346-G-T.
Other names: c.-589C>A (NM_001190241.2).
Identifiers: ClinVar variation 1474020 (VCV001474020.6), dbSNP rs865963221, ClinGen allele CA2573136701.

ClinVar aggregate classification (germline): Uncertain significance (1 of 4 stars; one submission).

Conditions:
Jeune thoracic dystrophy. Also called: Short-rib thoracic dysplasia; Jeune syndrome; Infantile thoracic dystrophy; Thoracic pelvic phalangeal dystrophy; Jeune's syndrome; Chondroectodermal dysplasia-like syndrome. Identifiers: Orphanet 474, MedGen C0265275, MONDO:0018770.

Submission:

Labcorp Genetics (formerly Invitae), Labcorp
Classification: Uncertain significance for Jeune thoracic dystrophy. Last evaluated: 2021-07-30. Review status: criteria provided, single submitter. Criteria: Invitae Variant Classification Sherloc (09022015). Collection method: clinical testing. Allele origin: germline.
Comment: In summary, the available evidence is currently insufficient to determine the role of this variant in disease. Therefore, it has been classified as a Variant of Uncertain Significance. Nucleotide substitutions within the consensus splice site are a relatively common cause of aberrant splicing (PMID: 17576681, 9536098). Experimental studies and prediction algorithms are not available or were not evaluated, and the effect of this variant on mRNA splicing is currently unknown. This variant has not been reported in the literature in individuals affected with IFT80-related conditions. This variant is not present in population databases (ExAC no frequency). This sequence change falls in intron 2 of the IFT80 gene. It does not directly change the encoded amino acid sequence of the IFT80 protein. It affects a nucleotide within the consensus splice site of the intron.

Literature cited by the submitters: PubMed 17576681; PubMed 9536098.